The following is an entry in ClinVar:

ClinVar aggregate classification (germline): Pathogenic (1 of 4 stars; one submission).

Conditions:
Frontotemporal dementia and/or amyotrophic lateral sclerosis 6 (FTDALS6). Also called: VCP-Related Amyotrophic Lateral Sclerosis/Frontotemporal Dementia; VCP-Related Amyotrophic Lateral Sclerosis. Identifiers: Orphanet 275872, Orphanet 803, MedGen C5436279, MONDO:0013501, OMIM 613954.
Inclusion body myopathy with Paget disease of bone and frontotemporal dementia. Also called: Inclusion body myopathy with early-onset Paget disease and frontotemporal dementia. Identifiers: Orphanet 52430, MedGen C1833662, MONDO:0000507.

Submission:

Labcorp Genetics (formerly Invitae), Labcorp
Classification: Pathogenic for Inclusion body myopathy with Paget disease of bone and frontotemporal dementia; Frontotemporal dementia and/or amyotrophic lateral sclerosis 6. Last evaluated: 2024-04-25. Review status: criteria provided, single submitter. Criteria: Invitae Variant Classification Sherloc (09022015). Collection method: clinical testing. Allele origin: germline.
Comment: This sequence change replaces arginine, which is basic and polar, with glutamine, which is neutral and polar, at codon 89 of the VCP protein (p.Arg89Gln). This variant is not present in population databases (gnomAD no frequency). This missense change has been observed in individual(s) with clinical features of VCP-related conditions (PMID: 31866807; Invitae). In at least one individual the variant was observed to be de novo. ClinVar contains an entry for this variant (Variation ID: 2051539). Advanced modeling of protein sequence and biophysical properties (such as structural, functional, and spatial information, amino acid conservation, physicochemical variation, residue mobility, and thermodynamic stability) performed at Invitae indicates that this missense variant is expected to disrupt VCP protein function with a positive predictive value of 95%. This variant disrupts the p.Arg89 amino acid residue in VCP. Other variant(s) that disrupt this residue have been observed in individuals with VCP-related conditions (PMID: 30955949), which suggests that this may be a clinically significant amino acid residue. For these reasons, this variant has been classified as Pathogenic.

Literature cited by the submitters: PubMed 31866807; PubMed 30955949.

NM_007126.5(VCP):c.266G>A (p.Arg89Gln)

Gene: VCP (valosin containing protein; minus strand). Cytogenetic location: 9p13.3.
Variant type: single nucleotide variant.
Coding change: c.266G>A on transcript NM_007126.5 (MANE Select); coding-DNA position 266, G replaced by A.
Protein change: p.Arg89Gln; replaces arginine 89 with glutamine.
Molecular consequence: missense variant.
Genome position (GRCh38, 1-based): chr9:35,067,927, C>T on the plus strand (G>A on the coding strand, the complement: VCP is on the minus strand). VCF-style: chr9-35067927-C-T. GRCh37 (hg19) VCF-style: chr9-35067924-C-T.
Other names: c.131G>A, p.Arg44Gln (NM_001354927.2, NM_001354928.2); short protein forms R44Q, R89Q.
Identifiers: ClinVar variation 2051539 (VCV002051539.4), dbSNP rs900105227, ClinGen allele CA192683160.